The following is an entry in ClinVar:

NM_005612.5(REST):c.736C>T (p.Arg246Ter)

Gene: REST (RE1 silencing transcription factor; plus strand). Cytogenetic location: 4q12.
Variant type: single nucleotide variant.
Coding change: c.736C>T on transcript NM_005612.5 (MANE Select); coding-DNA position 736, C replaced by T.
Protein change: p.Arg246Ter; replaces arginine 246 with a stop codon.
Molecular consequence: nonsense.
Genome position (GRCh38, 1-based): chr4:56,911,374, C>T. VCF-style: chr4-56911374-C-T. GRCh37 (hg19) VCF-style: chr4-57777540-C-T.
Other names: c.736C>T, p.Arg246Ter (NM_001193508.2, NM_001363453.3); short protein forms R246*.
Identifiers: ClinVar variation 3897172 (VCV003897172.1).

ClinVar aggregate classification (germline): Uncertain significance (1 of 4 stars; one submission).

gnomAD v4.1: 2 of 1,614,086 alleles (0.00012%); highest among the groups gnomAD compares: Admixed American, 0.0017%; no homozygotes.

Submission:

GeneDx
Classification: Uncertain significance. Last evaluated: 2024-11-02. Review status: criteria provided, single submitter. Criteria: GeneDx Variant Classification Process June 2021. Collection method: clinical testing. Allele origin: germline. Affected: yes.
Comment: Reported in a patient with Wilms tumor (PMID: 26551668); Published functional studies suggest a damaging effect resulting in deficiency in transcriptional repression as compared to wildtype (PMID: 26551668); Nonsense variant predicted to result in protein truncation or nonsense mediated decay in a gene or region of a gene for which dominant negative is a well-established mechanism of disease.; This variant is associated with the following publications: (PMID: 26551668)